The following is an entry in ClinVar:

NM_017841.4(SDHAF2):c.51A>G (p.Ser17=)

Gene: SDHAF2 (succinate dehydrogenase complex assembly factor 2; plus strand). Cytogenetic location: 11q12.2.
Variant type: single nucleotide variant.
Coding change: c.51A>G on transcript NM_017841.4 (MANE Select); coding-DNA position 51, A replaced by G.
Protein change: p.Ser17=; no amino-acid change (serine 17 retained).
Molecular consequence: synonymous variant.
Genome position (GRCh38, 1-based): chr11:61,437,639, A>G. VCF-style: chr11-61437639-A-G. GRCh37 (hg19) VCF-style: chr11-61205111-A-G.
Identifiers: ClinVar variation 760381 (VCV000760381.19), dbSNP rs1590764718, ClinGen allele CA474519799.
Genomic context (GRCh38, chr11:61,437,639, plus strand): 5'-GATAGTCGTCATTATTGTAAAGATGTTTGTGGTTTGTTCATTTCAGATGCTTGCTCTGTC[A>G]AGGCACAGCCTATTGTCTCCTTTGCTCAGTGTGACATCATTCAGACGCTTCTACAGAGGT-3'
Protein context (NP_060311.1, residues 7-27): FSTSSLMLAL[Ser17=]RHSLLSPLLS

ClinVar aggregate classification (germline): Likely benign. Review status: criteria provided, multiple submitters, no conflicts (2 of 4 stars). 4 submissions from 4 submitters: Likely benign (4). Last evaluated 2026-01-20.

Conditions:
Hereditary pheochromocytoma and paraganglioma. Also called: Hereditary Paraganglioma-Pheochromocytoma Syndromes; Hereditary paragangliomas and pheochromocytomas; Hereditary pheochromocytoma-paraganglioma. Identifiers: Orphanet 29072, MedGen C4274332, MONDO:0017366.
Hereditary cancer-predisposing syndrome. Also called: Hereditary Cancer Syndrome; Tumor predisposition; Hereditary neoplastic syndrome; Neoplastic Syndromes, Hereditary. Identifiers: Orphanet 140162, MedGen C0027672, MeSH D009386, MONDO:0015356.

Submissions (4):

Ambry Genetics
Classification: Likely benign for Hereditary cancer-predisposing syndrome. Last evaluated: 2026-01-20. Review status: criteria provided, single submitter. Criteria: Ambry Variant Classification Scheme 2023. Collection method: clinical testing. Allele origin: germline.

Labcorp Genetics (formerly Invitae), Labcorp
Classification: Likely benign for Hereditary pheochromocytoma and paraganglioma. Last evaluated: 2026-01-20. Review status: criteria provided, single submitter. Criteria: Invitae Variant Classification Sherloc (09022015). Collection method: clinical testing. Allele origin: germline.

CeGaT Center for Human Genetics Tuebingen
Classification: Likely benign. Last evaluated: 2025-05-01. Review status: criteria provided, single submitter. Criteria: CeGaT Center For Human Genetics Tuebingen Variant Classification Criteria Version 2. Collection method: clinical testing. Allele origin: germline. Affected: yes. Observed: 1 variant allele.
Comment: SDHAF2: PM2:Supporting, BP4, BP7

Blueprint Genetics
Classification: Likely benign. Last evaluated: 2023-12-18. Review status: criteria provided, single submitter. Criteria: ACMG Guidelines, 2015. Collection method: clinical testing. Allele origin: germline.